The following is an entry in ClinVar:

NM_012431.3(SEMA3E):c.1876G>A (p.Val626Met)

Gene: SEMA3E (semaphorin 3E; minus strand). Cytogenetic location: 7q21.11.
Variant type: single nucleotide variant.
Coding change: c.1876G>A on transcript NM_012431.3 (MANE Select); coding-DNA position 1876, G replaced by A.
Protein change: p.Val626Met; replaces valine 626 with methionine.
Molecular consequence: missense variant.
Genome position (GRCh38, 1-based): chr7:83,368,038, C>T on the plus strand (G>A on the coding strand, the complement: SEMA3E is on the minus strand). VCF-style: chr7-83368038-C-T. GRCh37 (hg19) VCF-style: chr7-82997354-C-T.
Other names: c.1876G>A (NM_012431.2); c.1696G>A, p.Val566Met (NM_001178129.2); short protein forms V626M, V566M.
Identifiers: ClinVar variation 1520208 (VCV001520208.7), dbSNP rs2116892550, ClinGen allele CA367914807.

ClinVar aggregate classification (germline): Uncertain significance. Review status: criteria provided, single submitter (1 of 4 stars). 2 submissions from 2 submitters: Uncertain significance (1). 1 of the submissions does not count toward it. Last evaluated 2021-11-02.

Conditions:
CHARGE syndrome (CHARGE). Also called: Coloboma, heart anomaly, choanal atresia, retardation, genital and ear anomalies; CHARGE association; Hall-Hittner syndrome; Hittner Hirsch Kreh syndrome; CHARGE ASSOCIATION--COLOBOMA, HEART ANOMALY, CHOANAL ATRESIA, RETARDATION, GENITAL AND EAR ANOMALIES. Identifiers: Orphanet 138, MedGen C0265354, MONDO:0008965.
SEMA3E-related disorder. Also called: SEMA3E-related condition.

Allele frequency attached by ClinVar (database versions not stated): gnomAD exomes 0.00001.
gnomAD v4.1: 15 of 1,613,632 alleles (0.00093%); highest among the groups gnomAD compares: Non-Finnish European, 0.0013%; no homozygotes.

Submissions (2):

Labcorp Genetics (formerly Invitae), Labcorp
Classification: Uncertain significance for CHARGE syndrome. Last evaluated: 2021-11-02. Review status: criteria provided, single submitter. Criteria: Invitae Variant Classification Sherloc (09022015). Collection method: clinical testing. Allele origin: germline.
Comment: In summary, the available evidence is currently insufficient to determine the role of this variant in disease. Therefore, it has been classified as a Variant of Uncertain Significance. Algorithms developed to predict the effect of missense changes on protein structure and function are either unavailable or do not agree on the potential impact of this missense change (SIFT: "Deleterious"; PolyPhen-2: "Probably Damaging"; Align-GVGD: "Class C0"). This variant has not been reported in the literature in individuals affected with SEMA3E-related conditions. This variant is not present in population databases (gnomAD no frequency). This sequence change replaces valine, which is neutral and non-polar, with methionine, which is neutral and non-polar, at codon 626 of the SEMA3E protein (p.Val626Met).

PreventionGenetics, part of Exact Sciences
Classification: Uncertain significance for SEMA3E-related condition. Last evaluated: 2024-03-28. Review status: no assertion criteria provided. Collection method: clinical testing. Allele origin: germline. Not counted in ClinVar's aggregate classification.
Comment: The SEMA3E c.1876G>A variant is predicted to result in the amino acid substitution p.Val626Met. To our knowledge, this variant has not been reported in the literature or in a large population database, indicating this variant is rare. At this time, the clinical significance of this variant is uncertain due to the absence of conclusive functional and genetic evidence.